The following is an entry in ClinVar:

NM_002878.4(RAD51D):c.432C>T (p.Ser144=)

Genes: RAD51D (RAD51 paralog D; minus strand), RAD51L3-RFFL (RAD51L3-RFFL readthrough; minus strand). Cytogenetic location: 17q12.
Variant type: single nucleotide variant.
Coding change: c.432C>T on transcript NM_002878.4 (MANE Select); coding-DNA position 432, C replaced by T.
Protein change: p.Ser144=; no amino-acid change (serine 144 retained).
Molecular consequence: synonymous variant. On other transcripts: non-coding transcript variant (1), intron variant (1).
Genome position (GRCh38, 1-based): chr17:35,107,036, G>A on the plus strand (C>T on the coding strand, the complement: RAD51D is on the minus strand). VCF-style: chr17-35107036-G-A. GRCh37 (hg19) VCF-style: chr17-33434055-G-A.
Other names: c.492C>T, p.Ser164= (NM_001142571.2); c.145-555C>T (NM_133629.3).
Identifiers: ClinVar variation 3903926 (VCV003903926.1).

ClinVar aggregate classification (germline): Benign (1 of 4 stars; one submission).

Conditions:
Breast-ovarian cancer, familial, susceptibility to, 4. Identifiers: Orphanet 145, MedGen C3280345, MONDO:0013669, OMIM 614291.

Submission:

Myriad Genetics, Inc.
Classification: Benign for Breast-ovarian cancer, familial, susceptibility to, 4. Last evaluated: 2025-02-21. Review status: criteria provided, single submitter. Criteria: Myriad Autosomal Dominant, Autosomal Recessive and X-Linked Classification Criteria (2023). Collection method: clinical testing. Allele origin: unknown.
Comment: This variant is considered benign. This variant is a silent/synonymous amino acid change and it is not expected to impact splicing.